The following is an entry in ClinVar:

NM_014363.6(SACS):c.8833C>T (p.Gln2945Ter)

Gene: SACS (sacsin molecular chaperone; minus strand). Cytogenetic location: 13q12.12.
Variant type: single nucleotide variant.
Coding change: c.8833C>T on transcript NM_014363.6 (MANE Select); coding-DNA position 8833, C replaced by T.
Protein change: p.Gln2945Ter; replaces glutamine 2945 with a stop codon.
Molecular consequence: nonsense.
Genome position (GRCh38, 1-based): chr13:23,335,043, G>A on the plus strand (C>T on the coding strand, the complement: SACS is on the minus strand). VCF-style: chr13-23335043-G-A. GRCh37 (hg19) VCF-style: chr13-23909182-G-A.
Other names: c.8392C>T, p.Gln2798Ter (NM_001278055.2); short protein forms Q2798*, Q2945*.
Identifiers: ClinVar variation 3768805 (VCV003768805.2).
Genomic context (GRCh38, chr13:23,335,043, plus strand): 5'-CTGGGAAAAACGATAAAAACTTCTTTAAAGTGTCCTTTACAACATGAATAGGGGTGTTCT[G>A]TAACACTGATAATGTTGGATCAGAACCAGGGAAATACCGTTTTTTTAACTGTATTAGCAA-3'

ClinVar aggregate classification (germline): Pathogenic. Review status: criteria provided, multiple submitters, no conflicts (2 of 4 stars). 2 submissions from 2 submitters: Pathogenic (2). Last evaluated 2025-10-14.

Conditions:
Charlevoix-Saguenay spastic ataxia (SACS). Also called: SPASTIC ATAXIA 6, AUTOSOMAL RECESSIVE; AUTOSOMAL RECESSIVE SPASTIC ATAXIA OF CHARLEVOIX-SAGUENAY; Spastic ataxia of Charlevoix-Saguenay. Identifiers: Orphanet 98, MedGen C1849140, MONDO:0010041, OMIM 270550.

Submissions (2):

Myriad Genetics, Inc.
Classification: Pathogenic for Charlevoix-Saguenay spastic ataxia. Last evaluated: 2025-10-14. Review status: criteria provided, single submitter. Criteria: Myriad Autosomal Dominant, Autosomal Recessive and X-Linked Classification Criteria (2023). Collection method: clinical testing. Allele origin: unknown.
Comment: NM_014363.4(SACS):c.8833C>T(Q2945*) is a nonsense variant classified as pathogenic in the context of autosomal recessive spastic ataxia of Charlevoix-Saguenay. Q2945* has not been observed in cases with relevant disease. Relevant functional assessments of this variant are not available in the literature. Q2945* has not been observed in referenced population frequency databases. In summary, NM_014363.4(SACS):c.8833C>T(Q2945*) is a nonsense variant in a gene where loss of function is a known mechanism of disease and is predicted to disrupt protein function. Please note: this variant was assessed in the context of healthy population screening.

Women's Health and Genetics/Laboratory Corporation of America, LabCorp
Classification: Pathogenic for Charlevoix-Saguenay spastic ataxia. Last evaluated: 2025-02-03. Review status: criteria provided, single submitter. Criteria: LabCorp Variant Classification Summary - May 2015. Collection method: clinical testing. Allele origin: germline.
Comment: Variant summary: SACS c.8833C>T (p.Gln2945X) results in a premature termination codon, predicted to cause a truncation of the encoded protein or absence of the protein due to nonsense mediated decay, which are commonly known mechanisms for disease. Variants downstream of this position have been classified as pathogenic by our laboratory and in ClinVar. The variant was absent in 250722 control chromosomes. To our knowledge, no occurrence of c.8833C>T in individuals affected with Autosomal Recessive Spastic Ataxia Of Charlevoix-Saguenay and no experimental evidence demonstrating its impact on protein function have been reported. No submitters have cited clinical-significance assessments for this variant to ClinVar. Based on the evidence outlined above, the variant was classified as pathogenic.